The following is an entry in ClinVar:

ClinVar aggregate classification (germline): Likely benign (1 of 4 stars; one submission).

Conditions:
Familial cancer of breast. Also called: Hereditary breast cancer; BREAST CANCER, FAMILIAL; hereditary breast carcinoma. Identifiers: Orphanet 227535, MedGen C0346153, MONDO:0016419, OMIM 114480. Disease mechanism: loss of function.

gnomAD v4.1: 2 of 1,614,108 alleles (0.00012%); highest among the groups gnomAD compares: Non-Finnish European, 0.00017%; no homozygotes.

Submission:

Myriad Genetics, Inc.
Classification: Likely benign for Familial cancer of breast. Last evaluated: 2024-10-02. Review status: criteria provided, single submitter. Criteria: Myriad Autosomal Dominant, Autosomal Recessive and X-Linked Classification Criteria (2023). Collection method: clinical testing. Allele origin: unknown.
Comment: This variant is considered likely benign. This variant is intronic and is not expected to impact mRNA splicing.

NM_007194.4(CHEK2):c.320-8T>C

Gene: CHEK2 (checkpoint kinase 2; minus strand). Cytogenetic location: 22q12.1.
Variant type: single nucleotide variant.
Coding change: c.320-8T>C on transcript NM_007194.4 (MANE Select); 8 bases into the intron before coding-DNA position 320, T replaced by C.
Molecular consequence: intron variant.
Genome position (GRCh38, 1-based): chr22:28,725,375, A>G on the plus strand (T>C on the coding strand, the complement: CHEK2 is on the minus strand). VCF-style: chr22-28725375-A-G. GRCh37 (hg19) VCF-style: chr22-29121363-A-G.
Other names: c.-344-8T>C (NM_001437942.1); c.320-8T>C (NM_001349956.3, NM_145862.3); c.-458-8T>C (NM_001257387.3); c.413-8T>C (NM_001438295.1, NM_001438293.1); c.449-8T>C (NM_001438294.1, NM_001005735.3).
Identifiers: ClinVar variation 3772719 (VCV003772719.1).